The following is an entry in ClinVar:

NM_004415.4(DSP):c.6284G>A (p.Gly2095Asp)

Gene: DSP (desmoplakin; plus strand). Cytogenetic location: 6p24.3.
Variant type: single nucleotide variant.
Coding change: c.6284G>A on transcript NM_004415.4 (MANE Select); coding-DNA position 6284, G replaced by A.
Protein change: p.Gly2095Asp; replaces glycine 2095 with aspartic acid.
Molecular consequence: missense variant.
Genome position (GRCh38, 1-based): chr6:7,583,546, G>A. VCF-style: chr6-7583546-G-A. GRCh37 (hg19) VCF-style: chr6-7583779-G-A.
Other names: c.6284G>A (LRG_423t1); c.4487G>A, p.Gly1496Asp (NM_001008844.3); c.4955G>A, p.Gly1652Asp (NM_001319034.2); short protein forms G2095D, G1496D, G1652D.
Identifiers: ClinVar variation 518681 (VCV000518681.6), dbSNP rs1554108784, ClinGen allele CA362690470.

ClinVar aggregate classification (germline): Uncertain significance (1 of 4 stars; one submission).

Conditions:
Cardiovascular phenotype. Identifiers: MedGen CN230736.

Submission:

Ambry Genetics
Classification: Uncertain significance for Cardiovascular phenotype. Last evaluated: 2024-12-16. Review status: criteria provided, single submitter. Criteria: Ambry Variant Classification Scheme 2023. Collection method: clinical testing. Allele origin: germline.
Comment: The p.G2095D variant (also known as c.6284G>A), located in coding exon 24 of the DSP gene, results from a G to A substitution at nucleotide position 6284. The glycine at codon 2095 is replaced by aspartic acid, an amino acid with similar properties. This amino acid position is highly conserved in available vertebrate species. In addition, this alteration is predicted to be deleterious by in silico analysis. Based on the available evidence, the clinical significance of this variant remains unclear.